The following is an entry in ClinVar:

NM_004370.6(COL12A1):c.9006C>T (p.Pro3002=)

Gene: COL12A1 (collagen type XII alpha 1 chain; minus strand). Cytogenetic location: 6q13.
Variant type: single nucleotide variant.
Coding change: c.9006C>T on transcript NM_004370.6 (MANE Select); coding-DNA position 9006, C replaced by T.
Protein change: p.Pro3002=; no amino-acid change (proline 3002 retained).
Molecular consequence: synonymous variant.
Genome position (GRCh38, 1-based): chr6:75,089,110, G>A on the plus strand (C>T on the coding strand, the complement: COL12A1 is on the minus strand). VCF-style: chr6-75089110-G-A. GRCh37 (hg19) VCF-style: chr6-75798826-G-A.
Other names: p.Pro3002=; c.5514C>T, p.Pro1838= (NM_080645.3).
Identifiers: ClinVar variation 475908 (VCV000475908.28), dbSNP rs184663595, ClinGen allele CA3892054.

ClinVar aggregate classification (germline): Likely benign. Review status: criteria provided, multiple submitters, no conflicts (2 of 4 stars). 8 submissions from 8 submitters: Likely benign (7). 1 of the submissions does not count toward it. Last evaluated 2026-09-01.

Conditions:
COL12A1-related disorder. Also called: COL12A1-related condition.
Ullrich congenital muscular dystrophy 2 (UCMD2). Identifiers: Orphanet 75840, MedGen C4225314, MONDO:0014654, OMIM 616470.
Bethlem myopathy 2 (BTHLM2). Identifiers: Orphanet 536516, Orphanet 610, MedGen C4225313, MONDO:0034022, OMIM 616471.

Allele frequency attached by ClinVar (database versions not stated): ExAC 0.00004; gnomAD exomes 0.00006 and 0.00019; TOPMed 0.00058; 1000 Genomes Project 0.00060; gnomAD 0.00067; 1000 Genomes Project 30x 0.00078.
gnomAD v4.1: 189 of 1,610,630 alleles (0.012%); highest among the groups gnomAD compares: Admixed American, 0.31%; 2 homozygotes.

Submissions (8):

CeGaT Center for Human Genetics Tuebingen
Classification: Likely benign. Last evaluated: 2026-09-01. Review status: criteria provided, single submitter. Criteria: CeGaT Center For Human Genetics Tuebingen Variant Classification Criteria Version 2. Collection method: clinical testing. Allele origin: germline. Affected: yes. Observed: 5 variant alleles.
Comment: COL12A1: BP4, BP7

Women's Health and Genetics/Laboratory Corporation of America, LabCorp
Classification: Likely benign. Last evaluated: 2026-04-06. Review status: criteria provided, single submitter. Criteria: LabCorp Variant Classification Summary - May 2015. Collection method: clinical testing. Allele origin: germline.

Labcorp Genetics (formerly Invitae), Labcorp
Classification: Likely benign for Bethlem myopathy 2; Ullrich congenital muscular dystrophy 2. Last evaluated: 2025-12-31. Review status: criteria provided, single submitter. Criteria: Invitae Variant Classification Sherloc (09022015). Collection method: clinical testing. Allele origin: germline.

Mayo Clinic Laboratories, Mayo Clinic
Classification: Likely benign. Last evaluated: 2025-09-05. Review status: criteria provided, single submitter. Criteria: ACMG Guidelines, 2015. Collection method: clinical testing. Allele origin: germline. Observed: 1 variant allele.
Comment: BS1, BP4, BP7

Blueprint Genetics
Classification: Likely benign. Last evaluated: 2022-11-08. Review status: criteria provided, single submitter. Criteria: ACMG Guidelines, 2015. Collection method: clinical testing. Allele origin: germline.

GeneDx
Classification: Likely benign. Last evaluated: 2021-05-28. Review status: criteria provided, single submitter. Criteria: GeneDx Variant Classification Process June 2021. Collection method: clinical testing. Allele origin: germline. Affected: yes.

Breakthrough Genomics
Classification: Likely benign. Review status: criteria provided, single submitter. Criteria: ACMG Guidelines, 2015. Collection method: not provided. Allele origin: germline. Inheritance: Autosomal recessive inheritance. Affected: yes.

PreventionGenetics, part of Exact Sciences
Classification: Likely benign for COL12A1-related condition. Last evaluated: 2019-07-15. Review status: no assertion criteria provided. Collection method: clinical testing. Allele origin: germline. Not counted in ClinVar's aggregate classification.
Comment: This variant is classified as likely benign based on ACMG/AMP sequence variant interpretation guidelines (Richards et al. 2015 PMID: 25741868, with internal and published modifications).